The following is an entry in ClinVar:

ClinVar aggregate classification (germline): Likely benign (0 of 4 stars; one submission).

Conditions:
AP1B1-related disorder. Also called: AP1B1-related condition.

Allele frequency attached by ClinVar (database versions not stated): 1000 Genomes Project 30x 0.00016; 1000 Genomes Project 0.00020; ExAC 0.00053; TOPMed 0.00072; ESP Exome Variant Server 0.00077; gnomAD 0.00078.
gnomAD v4.1: 926 of 1,614,180 alleles (0.057%); highest among the groups gnomAD compares: Non-Finnish European, 0.067%; no homozygotes.

Submission:

PreventionGenetics, part of Exact Sciences
Classification: Likely benign for AP1B1-related condition. Last evaluated: 2020-09-14. Review status: no assertion criteria provided. Collection method: clinical testing. Allele origin: germline.
Comment: This variant is classified as likely benign based on ACMG/AMP sequence variant interpretation guidelines (Richards et al. 2015 PMID: 25741868, with internal and published modifications).

NM_001127.4(AP1B1):c.987C>T (p.Asn329=)

Gene: AP1B1 (adaptor related protein complex 1 subunit beta 1; minus strand). Cytogenetic location: 22q12.2.
Variant type: single nucleotide variant.
Coding change: c.987C>T on transcript NM_001127.4 (MANE Select); coding-DNA position 987, C replaced by T.
Protein change: p.Asn329=; no amino-acid change (asparagine 329 retained).
Molecular consequence: synonymous variant.
Genome position (GRCh38, 1-based): chr22:29,351,777, G>A on the plus strand (C>T on the coding strand, the complement: AP1B1 is on the minus strand). VCF-style: chr22-29351777-G-A. GRCh37 (hg19) VCF-style: chr22-29747766-G-A.
Other names: c.987C>T, p.Asn329= (NM_001166019.2, NM_001378562.1, NM_001378563.1 and 2 more transcripts); c.816C>T, p.Asn272= (NM_001378564.1, NM_001378565.1).
Identifiers: ClinVar variation 3049727 (VCV003049727.2), dbSNP rs148745544, ClinGen allele CA10173324.